The following is an entry in ClinVar:

ClinVar aggregate classification (germline): Uncertain significance (1 of 4 stars; one submission).

gnomAD v4.1: 6 of 1,614,036 alleles (0.00037%); highest among the groups gnomAD compares: African/African-American, 0.0013%; no homozygotes.

Submission:

GeneDx
Classification: Uncertain significance. Last evaluated: 2025-02-23. Review status: criteria provided, single submitter. Criteria: GeneDx Variant Classification Process June 2021. Collection method: clinical testing. Allele origin: germline. Affected: yes.
Comment: Not observed at significant frequency in large population cohorts (gnomAD); In silico analysis supports that this missense variant has a deleterious effect on protein structure/function; Has not been previously published as pathogenic or benign to our knowledge

NM_001005273.3(CHD3):c.5315T>A (p.Ile1772Asn)

Gene: CHD3 (chromodomain helicase DNA binding protein 3; plus strand). Cytogenetic location: 17p13.1.
Variant type: single nucleotide variant.
Coding change: c.5315T>A on transcript NM_001005273.3 (MANE Select); coding-DNA position 5315, T replaced by A.
Protein change: p.Ile1772Asn; replaces isoleucine 1772 with asparagine.
Molecular consequence: missense variant.
Genome position (GRCh38, 1-based): chr17:7,908,750, T>A. VCF-style: chr17-7908750-T-A. GRCh37 (hg19) VCF-style: chr17-7812068-T-A.
Other names: c.5492T>A, p.Ile1831Asn (NM_001005271.3, NM_001437504.1); c.5480T>A, p.Ile1827Asn (NM_001437507.1); c.5378T>A, p.Ile1793Asn (NM_001437508.1); c.5483T>A, p.Ile1828Asn (NM_001437509.1); c.5213T>A, p.Ile1738Asn (NM_005852.4); short protein forms I1738N, I1772N, I1793N, I1827N, I1828N, I1831N.
Identifiers: ClinVar variation 4076522 (VCV004076522.1).
Genomic context (GRCh38, chr17:7,908,750, plus strand): 5'-TTGGTAGCCATGGCTATGCACGGTGGCAGGACATCCAGAATGATGCTCAATTTGCCATTA[T>A]CAACGAGCCATTTAAAACTGAAGCCAATAAGGGGAACTTTCTGGAGATGAAAAATAAGTT-3'
Protein context (NP_001005273.1, residues 1762-1782): DIQNDAQFAI[Ile1772Asn]NEPFKTEANK